The following is an entry in ClinVar:

NM_017514.5(PLXNA3):c.1985C>T (p.Thr662Met)

Gene: PLXNA3 (plexin A3; plus strand). Cytogenetic location: Xq28.
Variant type: single nucleotide variant.
Coding change: c.1985C>T on transcript NM_017514.5 (MANE Select); coding-DNA position 1985, C replaced by T.
Protein change: p.Thr662Met; replaces threonine 662 with methionine.
Molecular consequence: missense variant.
Genome position (GRCh38, 1-based): chrX:154,464,810, C>T. VCF-style: chrX-154464810-C-T. GRCh37 (hg19) VCF-style: chrX-153693153-C-T.
Other names: c.1985C>T (NM_017514.3); short protein forms T662M.
Identifiers: ClinVar variation 585116 (VCV000585116.4), dbSNP rs1343189326, ClinGen allele CA415239115.

ClinVar aggregate classification (germline): Uncertain significance. Review status: criteria provided, multiple submitters, no conflicts (2 of 4 stars). 2 submissions from 2 submitters: Uncertain significance (2). Last evaluated 2025-02-17.

Conditions:
PLXNA3-related disorder. Also called: PLXNA3-related condition.

Allele frequency attached by ClinVar (database versions not stated): TOPMed below 0.00001; gnomAD 0.00002; gnomAD exomes 0.00002 and 0.00003.
gnomAD v4.1: 20 of 1,206,428 alleles (0.0017%); highest among the groups gnomAD compares: Admixed American, 0.0088%; no homozygotes.

Submissions (2):

PreventionGenetics, part of Exact Sciences
Classification: Uncertain significance for PLXNA3-related condition. Last evaluated: 2025-02-17. Review status: criteria provided, single submitter. Criteria: ACMG Guidelines, 2015. Collection method: clinical testing. Allele origin: germline.
Comment: The PLXNA3 c.1985C>T variant is predicted to result in the amino acid substitution p.Thr662Met. To our knowledge, this variant has not been reported in the literature. This variant is reported in 0.015% of alleles in individuals of Latino descent in gnomAD. At this time, the clinical significance of this variant is uncertain due to the absence of conclusive functional and genetic evidence.

Ambry Genetics
Classification: Uncertain significance. Last evaluated: 2025-01-01. Review status: criteria provided, single submitter. Criteria: Ambry Variant Classification Scheme 2023. Collection method: clinical testing. Allele origin: germline.